The following is an entry in ClinVar:

NM_017654.4(SAMD9):c.2521C>G (p.Pro841Ala)

Gene: SAMD9 (sterile alpha motif domain containing 9; minus strand). Cytogenetic location: 7q21.2.
Variant type: single nucleotide variant.
Coding change: c.2521C>G on transcript NM_017654.4 (MANE Select); coding-DNA position 2521, C replaced by G.
Protein change: p.Pro841Ala; replaces proline 841 with alanine.
Molecular consequence: missense variant.
Genome position (GRCh38, 1-based): chr7:93,103,577, G>C on the plus strand (C>G on the coding strand, the complement: SAMD9 is on the minus strand). VCF-style: chr7-93103577-G-C. GRCh37 (hg19) VCF-style: chr7-92732890-G-C.
Other names: c.2521C>G, p.Pro841Ala (NM_001193307.2); short protein forms P841A.
Identifiers: ClinVar variation 3949480 (VCV003949480.1).

ClinVar aggregate classification (germline): Uncertain significance (1 of 4 stars; one submission).

Conditions:
Inborn genetic diseases. Identifiers: MedGen C0950123, MeSH D030342.

Submission:

Ambry Genetics
Classification: Uncertain significance for Inborn genetic diseases. Last evaluated: 2025-03-26. Review status: criteria provided, single submitter. Criteria: Ambry Variant Classification Scheme 2023. Collection method: clinical testing. Allele origin: germline.
Comment: The p.P841A variant (also known as c.2521C>G), located in coding exon 1 of the SAMD9 gene, results from a C to G substitution at nucleotide position 2521. The proline at codon 841 is replaced by alanine, an amino acid with highly similar properties. This amino acid position is conserved. In addition, the in silico prediction for this alteration is inconclusive. Based on the available evidence, the clinical significance of this variant remains unclear.